The following is an entry in ClinVar:

NM_000038.6(APC):c.3780_3781del (p.Gln1260fs)

Gene: APC (APC regulator of Wnt signaling pathway; plus strand). Cytogenetic location: 5q22.2.
Variant type: Deletion.
Coding change: c.3780_3781del on transcript NM_000038.6 (MANE Select); coding-DNA positions 3780 to 3781, 2 bases deleted (GA; older notation c.3780_3781delGA).
Protein change: p.Gln1260fs; shifts the reading frame from glutamine 1260.
Molecular consequence: frameshift variant. On other transcripts: non-coding transcript variant (2).
Genome position (GRCh38, 1-based): chr5:112,839,374-112,839,375, GA deleted; deleting any 2 consecutive bases within chr5:112,839,373-112,839,375 gives the same sequence; the c. name uses the placement nearest the transcript's 3' end. VCF-style (leftmost placement, unchanged base first): chr5-112839372-CAG-C. GRCh37 (hg19) VCF-style: chr5-112175069-CAG-C.
Other names: c.3780_3781del, p.Gln1260fs (NM_001127510.3, NM_001354895.2, NM_001407450.1); c.3726_3727del, p.Gln1242fs (NM_001127511.3); c.3834_3835del, p.Gln1278fs (NM_001354896.2, NM_001407447.1, NM_001407448.1 and 1 more transcripts); c.3810_3811del, p.Gln1270fs (NM_001354897.2); c.3705_3706del, p.Gln1235fs (NM_001354898.2); c.3696_3697del, p.Gln1232fs (NM_001354899.2); c.3657_3658del, p.Gln1219fs (NM_001354900.2); c.3603_3604del, p.Gln1201fs (NM_001354901.2, NM_001407453.1); and 11 more; short protein forms Q1159fs, Q1201fs, Q1250fs, Q1253fs, Q1260fs, Q876fs, Q1100fs, Q1131fs.
Identifiers: ClinVar variation 3880029 (VCV003880029.1).
Genomic context (GRCh38, chr5:112,839,372, plus strand): 5'-AGTGGTCAGCCTCAAAAGGCTGCCACTTGCAAAGTTTCTTCTATTAACCAAGAAACAATA[CAG>C]ACTTATTGTGTAGAAGATACTCCAATATGTTTTTCAAGATGTAGTTCATTATCATCTTTG-3'

ClinVar aggregate classification (germline): Pathogenic (1 of 4 stars; one submission).

Conditions:
Hereditary cancer-predisposing syndrome. Also called: Tumor predisposition; Neoplastic Syndromes, Hereditary; Hereditary Cancer Syndrome; Hereditary neoplastic syndrome. Identifiers: Orphanet 140162, MedGen C0027672, MeSH D009386, MONDO:0015356.

Submission:

Ambry Genetics
Classification: Pathogenic for Hereditary cancer-predisposing syndrome. Last evaluated: 2025-03-10. Review status: criteria provided, single submitter. Criteria: Ambry Variant Classification Scheme 2023. Collection method: clinical testing. Allele origin: germline.
Comment: The c.3780_3781delGA pathogenic mutation, located in coding exon 15 of the APC gene, results from a deletion of two nucleotides at nucleotide positions 3780 to 3781, causing a translational frameshift with a predicted alternate stop codon (p.Q1260Hfs*15). This alteration occurs at the 3' terminus of theAPC gene, is not expected to trigger nonsense-mediated mRNA decay, and impacts the last 55% of the protein. However, premature stop codons are typically deleterious in nature and a significant portion of the protein is affected (Ambry internal data). This variant was reported in individual(s) with features consistent with familial adenomatous polyposis (FAP) (Ambry internal data). This variant is considered to be rare based on population cohorts in the Genome Aggregation Database (gnomAD). Based on the supporting evidence, this variant is interpreted as a disease-causing mutation.